The following is an entry in ClinVar:

NM_017780.4(CHD7):c.116A>T (p.Gln39Leu)

Gene: CHD7 (chromodomain helicase DNA binding protein 7; plus strand). Cytogenetic location: 8q12.2.
Variant type: single nucleotide variant.
Coding change: c.116A>T on transcript NM_017780.4 (MANE Select); coding-DNA position 116, A replaced by T.
Protein change: p.Gln39Leu; replaces glutamine 39 with leucine.
Molecular consequence: missense variant.
Genome position (GRCh38, 1-based): chr8:60,741,548, A>T. VCF-style: chr8-60741548-A-T. GRCh37 (hg19) VCF-style: chr8-61654107-A-T.
Other names: c.116A>T, p.Gln39Leu (NM_001316690.1); short protein forms Q39L.
Identifiers: ClinVar variation 3895852 (VCV003895852.1).

ClinVar aggregate classification (germline): Uncertain significance (1 of 4 stars; one submission).

gnomAD v4.1: 1 of 1,613,584 alleles (0.000062%); highest among the groups gnomAD compares: East Asian, 0.0022%; no homozygotes.

Submission:

Women's Health and Genetics/Laboratory Corporation of America, LabCorp
Classification: Uncertain significance. Last evaluated: 2025-03-03. Review status: criteria provided, single submitter. Criteria: LabCorp Variant Classification Summary - May 2015. Collection method: clinical testing. Allele origin: germline.
Comment: Variant summary: CHD7 c.116A>T (p.Gln39Leu) results in a non-conservative amino acid change in the encoded protein sequence. Three of five in-silico tools predict a damaging effect of the variant on protein function. The variant was absent in 247908 control chromosomes. The available data on variant occurrences in the general population are insufficient to allow any conclusion about variant significance. To our knowledge, no occurrence of c.116A>T in individuals affected with Hypogonadotropic Hypogonadism 5 With Or Without Anosmia and no experimental evidence demonstrating its impact on protein function have been reported. No submitters have cited clinical-significance assessments for this variant to ClinVar. Based on the evidence outlined above, the variant was classified as uncertain significance.